The following is an entry in ClinVar:

ClinVar aggregate classification (germline): Uncertain significance (1 of 4 stars; one submission).

Conditions:
Epilepsy, familial adult myoclonic, 5 (EPEO5). Also called: CORTICAL MYOCLONIC TREMOR WITH EPILEPSY, FAMILIAL, 5. Identifiers: Orphanet 86814, MedGen C3809374, MONDO:0014167, OMIM 615400.

Allele frequency attached by ClinVar (database versions not stated): gnomAD exomes below 0.00001; TOPMed below 0.00001; gnomAD 0.00001.
gnomAD v4.1: 6 of 1,613,202 alleles (0.00037%); highest among the groups gnomAD compares: East Asian, 0.0022%; no homozygotes.

Submission:

Labcorp Genetics (formerly Invitae), Labcorp
Classification: Uncertain significance for Epilepsy, familial adult myoclonic, 5. Last evaluated: 2017-12-18. Review status: criteria provided, single submitter. Criteria: Invitae Variant Classification Sherloc (09022015). Collection method: clinical testing. Allele origin: germline.
Comment: This sequence change replaces glutamic acid with lysine at codon 409 of the CNTN2 protein (p.Glu409Lys). The glutamic acid residue is highly conserved and there is a small physicochemical difference between glutamic acid and lysine. This variant is not present in population databases (ExAC no frequency). This variant has not been reported in the literature in individuals with CNTN2-related disease. Algorithms developed to predict the effect of missense changes on protein structure and function (SIFT, PolyPhen-2, Align-GVGD) all suggest that this variant is likely to be disruptive, but these predictions have not been confirmed by published functional studies and their clinical significance is uncertain. In summary, the available evidence is currently insufficient to determine the role of this variant in disease. Therefore, it has been classified as a Variant of Uncertain Significance.

NM_005076.5(CNTN2):c.1225G>A (p.Glu409Lys)

Gene: CNTN2 (contactin 2; plus strand). Cytogenetic location: 1q32.1.
Variant type: single nucleotide variant.
Coding change: c.1225G>A on transcript NM_005076.5 (MANE Select); coding-DNA position 1225, G replaced by A.
Protein change: p.Glu409Lys; replaces glutamic acid 409 with lysine.
Molecular consequence: missense variant. On other transcripts: non-coding transcript variant (1).
Genome position (GRCh38, 1-based): chr1:205,062,554, G>A. VCF-style: chr1-205062554-G-A. GRCh37 (hg19) VCF-style: chr1-205031682-G-A.
Other names: c.1225G>A, p.Glu409Lys (NM_001346083.2); short protein forms E409K.
Identifiers: ClinVar variation 541413 (VCV000541413.1), dbSNP rs1332074487, ClinGen allele CA344374626.